The following is an entry in ClinVar:

ClinVar aggregate classification (germline): Benign. Review status: criteria provided, multiple submitters, no conflicts (2 of 4 stars). 4 submissions from 4 submitters: Benign (3). 1 of the submissions does not count toward it. Last evaluated 2026-02-01.

Allele frequency attached by ClinVar (database versions not stated): ExAC 0.01252; ESP Exome Variant Server 0.02086; gnomAD 0.02574 and 0.02769; 1000 Genomes Project 0.02915; TOPMed 0.02979; 1000 Genomes Project 30x 0.03123.
gnomAD v4.1: 7,699 of 1,558,348 alleles (0.49%); highest among the groups gnomAD compares: African/African-American, 9.1%; 336 homozygotes.

Submissions (4):

Labcorp Genetics (formerly Invitae), Labcorp
Classification: Benign. Last evaluated: 2026-02-01. Review status: criteria provided, single submitter. Criteria: Invitae Variant Classification Sherloc (09022015). Collection method: clinical testing. Allele origin: germline.

GeneDx
Classification: Benign. Last evaluated: 2016-03-11. Review status: criteria provided, single submitter. Criteria: GeneDx Variant Classification (06012015). Collection method: clinical testing. Allele origin: germline. Affected: yes.
Comment: This variant is considered likely benign or benign based on one or more of the following criteria: it is a conservative change, it occurs at a poorly conserved position in the protein, it is predicted to be benign by multiple in silico algorithms, and/or has population frequency not consistent with disease.

Breakthrough Genomics
Classification: Benign. Review status: criteria provided, single submitter. Criteria: ACMG Guidelines, 2015. Collection method: not provided. Allele origin: germline. Inheritance: Autosomal recessive inheritance. Affected: yes.

Mayo Clinic Laboratories, Mayo Clinic
Classification: Benign. Last evaluated: 2016-03-15. Review status: no assertion criteria provided. Collection method: clinical testing. Allele origin: unknown. Not counted in ClinVar's aggregate classification.

NM_001370595.2(COA8):c.8T>C (p.Val3Ala)

Gene: COA8 (cytochrome c oxidase assembly factor 8; plus strand). Cytogenetic location: 14q32.33.
Variant type: single nucleotide variant.
Coding change: c.8T>C on transcript NM_001370595.2 (MANE Select); coding-DNA position 8, T replaced by C.
Protein change: p.Val3Ala; replaces valine 3 with alanine.
Molecular consequence: missense variant. On other transcripts: non-coding transcript variant (2).
Genome position (GRCh38, 1-based): chr14:103,563,009, T>C. VCF-style: chr14-103563009-T-C. GRCh37 (hg19) VCF-style: chr14-104029346-T-C.
Other names: c.47T>C (NM_032374.4); c.8T>C, p.Val3Ala (NM_001302653.2, NM_001302654.2); short protein forms V3A.
Identifiers: ClinVar variation 381843 (VCV000381843.14), dbSNP rs61733762, ClinGen allele CA7365377.